The following is an entry in ClinVar:

NM_000038.6(APC):c.6570A>G (p.Gly2190=)

Gene: APC (APC regulator of Wnt signaling pathway; plus strand). Cytogenetic location: 5q22.2.
Variant type: single nucleotide variant.
Coding change: c.6570A>G on transcript NM_000038.6 (MANE Select); coding-DNA position 6570, A replaced by G.
Protein change: p.Gly2190=; no amino-acid change (glycine 2190 retained).
Molecular consequence: synonymous variant.
Genome position (GRCh38, 1-based): chr5:112,842,164, A>G. VCF-style: chr5-112842164-A-G. GRCh37 (hg19) VCF-style: chr5-112177861-A-G.
Other names: c.6570A>G, p.Gly2190= (NM_001127510.3, NM_001354895.2); c.6516A>G, p.Gly2172= (NM_001127511.3); c.6624A>G, p.Gly2208= (NM_001354896.2); c.6600A>G, p.Gly2200= (NM_001354897.2); c.6495A>G, p.Gly2165= (NM_001354898.2); c.6486A>G, p.Gly2162= (NM_001354899.2); c.6447A>G, p.Gly2149= (NM_001354900.2); c.6393A>G, p.Gly2131= (NM_001354901.2); and 5 more.
Identifiers: ClinVar variation 1668695 (VCV001668695.9), dbSNP rs1766247545, ClinGen allele CA446209797.

ClinVar aggregate classification (germline): Likely benign. Review status: criteria provided, multiple submitters, no conflicts (2 of 4 stars). 2 submissions from 2 submitters: Likely benign (2). Last evaluated 2023-10-06.

Conditions:
Classic or attenuated familial adenomatous polyposis. Identifiers: MedGen CN372698, MONDO:0021057.
Familial adenomatous polyposis 1 (FAP1). Also called: FAMILIAL ADENOMATOUS POLYPOSIS 1, ATTENUATED; POLYPOSIS, ADENOMATOUS INTESTINAL. Identifiers: MedGen C2713442, MONDO:0021056, OMIM 175100. Disease mechanism: loss of function.

Submissions (2):

All of Us Research Program, National Institutes of Health
Classification: Likely benign for Classic or attenuated familial adenomatous polyposis. Last evaluated: 2023-10-06. Review status: criteria provided, single submitter. Criteria: ACMG Guidelines, 2015. Collection method: clinical testing. Allele origin: germline. Inheritance: Autosomal dominant inheritance. Observed: 2 variant alleles, 2 heterozygotes.
Comment: This study involves interpretation of variants in research participants for the purpose of population health screening. Participant phenotype was not available at the time of variant classification. Additional details can be found in publication PMID: 35346344, PMCID: PMC8962531

Labcorp Genetics (formerly Invitae), Labcorp
Classification: Likely benign for Familial adenomatous polyposis 1. Last evaluated: 2021-01-02. Review status: criteria provided, single submitter. Criteria: Invitae Variant Classification Sherloc (09022015). Collection method: clinical testing. Allele origin: germline.